The following is an entry in ClinVar:

ClinVar aggregate classification (germline): Conflicting classifications of pathogenicity. Review status: criteria provided, conflicting classifications (1 of 4 stars). 4 submissions from 2 submitters: Uncertain significance (3); Likely benign (1). Last evaluated 2018-01-13.

Conditions:
Maturity-onset diabetes of the young type 13. Also called: MODY, TYPE 13. Identifiers: Orphanet 552, MedGen C4225365, MONDO:0014589, OMIM 616329.
Maturity-onset diabetes of the young (MODY). Also called: Maturity onset diabetes mellitus in young. Identifiers: Orphanet 552, MedGen C0342276, MONDO:0018911, HP:0004904.
Diabetes mellitus, transient neonatal, 3 (TNDM3). Identifiers: Orphanet 99886, MedGen C1864623, MONDO:0012522, OMIM 610582. Disease mechanism: loss of function.
Hyperinsulinemic hypoglycemia, familial, 2. Also called: HYPERINSULINEMIC HYPOGLYCEMIA, PERSISTENT; HYPERINSULINISM, NEONATAL. Identifiers: Orphanet 276580, Orphanet 276603, MedGen C2931833, MONDO:0011153, OMIM 601820. Disease mechanism: loss of function.

Allele frequency attached by ClinVar (database versions not stated): 1000 Genomes Project 30x 0.00078; 1000 Genomes Project 0.00080; TOPMed 0.00096; gnomAD 0.00101 and 0.00115.

Submissions (4):

Illumina Laboratory Services, Illumina
Classification: Uncertain significance for Hyperinsulinemic hypoglycemia, familial, 2. Last evaluated: 2018-01-13. Review status: criteria provided, single submitter. Criteria: ICSL Variant Classification Criteria 13 December 2019. Collection method: clinical testing. Allele origin: germline.

Illumina Laboratory Services, Illumina
Classification: Likely benign for Diabetes mellitus, transient neonatal, 3. Last evaluated: 2018-01-13. Review status: criteria provided, single submitter. Criteria: ICSL Variant Classification Criteria 13 December 2019. Collection method: clinical testing. Allele origin: germline.
Comment: This variant was observed in the ICSL laboratory as part of a predisposition screen in an ostensibly healthy population. It had not been previously curated by ICSL or reported in the Human Gene Mutation Database (HGMD: prior to June 1st, 2018), and was therefore a candidate for classification through an automated scoring system. Utilizing variant allele frequency, disease prevalence and penetrance estimates, and inheritance mode, an automated score was calculated to assess if this variant is too frequent to cause the disease. Based on the score and internal cut-off values, a variant classified as likely benign is not then subjected to further curation. The score for this variant resulted in a classification of likely benign for this disease.

Illumina Laboratory Services, Illumina
Classification: Uncertain significance for Maturity-onset diabetes of the young type 13. Last evaluated: 2018-01-13. Review status: criteria provided, single submitter. Criteria: ICSL Variant Classification Criteria 13 December 2019. Collection method: clinical testing. Allele origin: germline.

Clinical Genomics, Uppaluri K&H Personalized Medicine Clinic
Classification: Uncertain significance for Maturity-onset diabetes of the young. Review status: criteria provided, single submitter. Criteria: K & H Uppaluri Personalized Medicine Clinic Variant Classification & Assertion Criteria_Updated V.1. Collection method: research. Allele origin: somatic. Inheritance: Autosomal dominant inheritance.
Comment: Mutations in KCNJ11 gene can cause decreased production and secretion of insulin. This can lead to MODY which may be responsive to oral sulfonylureas. It is also associated with Neonatal Diabetes. However, no sufficient evidence is found to ascertain the role of this particular variant (rs547635594) in MODY yet.

Literature cited by the submitters: PubMed 26448950 (cited by Clinical Genomics, Uppaluri K&H Personalized Medicine Clinic); PubMed 15580558 (cited by Clinical Genomics, Uppaluri K&H Personalized Medicine Clinic); PubMed 15718250 (cited by Clinical Genomics, Uppaluri K&H Personalized Medicine Clinic); PubMed 32935446 (cited by Clinical Genomics, Uppaluri K&H Personalized Medicine Clinic); PubMed 22701567 (cited by Clinical Genomics, Uppaluri K&H Personalized Medicine Clinic).

NM_000525.4(KCNJ11):c.*862G>T

Gene: KCNJ11 (potassium inwardly rectifying channel subfamily J member 11; minus strand). Cytogenetic location: 11p15.1.
Variant type: single nucleotide variant.
Coding change: c.*862G>T on transcript NM_000525.4 (MANE Select); 862 bases downstream of the stop codon, G replaced by T.
Molecular consequence: 3 prime UTR variant.
Genome position (GRCh38, 1-based): chr11:17,386,057, C>A on the plus strand (G>T on the coding strand, the complement: KCNJ11 is on the minus strand). VCF-style: chr11-17386057-C-A. GRCh37 (hg19) VCF-style: chr11-17407604-C-A.
Other names: c.*862G>T (NM_001166290.2, NM_001377296.1, NM_001377297.1).
Identifiers: ClinVar variation 303712 (VCV000303712.6), dbSNP rs547635594, ClinGen allele CA10630453.